The following is an entry in ClinVar:

ClinVar aggregate classification (germline): Likely benign. Review status: criteria provided, multiple submitters, no conflicts (2 of 4 stars). 5 submissions from 5 submitters: Likely benign (5). Last evaluated 2026-02-03.

Conditions:
DSP-related disorder. Also called: DSP-related condition; DSP-related disorders.
Cardiovascular phenotype. Identifiers: MedGen CN230736.
Arrhythmogenic right ventricular dysplasia 8 (ARVD8). Also called: ARRHYTHMOGENIC RIGHT VENTRICULAR CARDIOMYOPATHY 8; ARRHYTHMOGENIC RIGHT VENTRICULAR DYSPLASIA, FAMILIAL, 8; Arrhythmogenic Right Ventricular Dysplasia/Cardiomyopathy 8. Identifiers: MedGen C1843896, MONDO:0011831, OMIM 607450.
Arrhythmogenic cardiomyopathy with wooly hair and keratoderma. Also called: Dilated cardiomyopathy with woolly hair and keratoderma; PALMOPLANTAR KERATODERMA WITH LEFT VENTRICULAR CARDIOMYOPATHY AND WOOLLY HAIR; Arrhythmogenic cardiomyopathy with woolly hair and keratoderma; Carvajal syndrome. Identifiers: Orphanet 65282, MedGen C1854063, MONDO:0011581, OMIM 605676.
Cardiomyopathy (CMYO). Also called: Cardiomyopathies. Identifiers: Orphanet 167848, MedGen C0878544, MONDO:0004994, HP:0001638. Inheritance: Various modes of inheritance.

Allele frequency attached by ClinVar (database versions not stated): gnomAD 0.00001; TOPMed 0.00006.
gnomAD v4.1: 3 of 1,614,058 alleles (0.00019%); highest among the groups gnomAD compares: Admixed American, 0.0033%; no homozygotes.

Submissions (5):

PreventionGenetics, part of Exact Sciences
Classification: Likely benign for DSP-related condition. Last evaluated: 2026-02-03. Review status: criteria provided, single submitter. Criteria: ACMG Guidelines, 2015. Collection method: clinical testing. Allele origin: germline.
Comment: This variant is classified as likely benign based on ACMG/AMP sequence variant interpretation guidelines (Richards et al. 2015 PMID: 25741868, with internal and published modifications).

Labcorp Genetics (formerly Invitae), Labcorp
Classification: Likely benign for Arrhythmogenic cardiomyopathy with wooly hair and keratoderma; Arrhythmogenic right ventricular dysplasia 8. Last evaluated: 2025-05-27. Review status: criteria provided, single submitter. Criteria: Invitae Variant Classification Sherloc (09022015). Collection method: clinical testing. Allele origin: germline.

All of Us Research Program, National Institutes of Health
Classification: Likely benign for Arrhythmogenic cardiomyopathy with wooly hair and keratoderma. Last evaluated: 2024-09-18. Review status: criteria provided, single submitter. Criteria: ACMG Guidelines, 2015. Collection method: clinical testing. Allele origin: germline. Inheritance: Autosomal dominant inheritance. Observed: 6 variant alleles, 6 heterozygotes.
Comment: This study involves interpretation of variants in research participants for the purpose of population health screening. Participant phenotype was not available at the time of variant classification. Additional details can be found in publication PMID: 35346344, PMCID: PMC8962531

Color Diagnostics, LLC DBA Color Health
Classification: Likely benign for Cardiomyopathy. Last evaluated: 2023-11-15. Review status: criteria provided, single submitter. Criteria: ACMG Guidelines, 2015. Collection method: clinical testing. Allele origin: germline.

Ambry Genetics
Classification: Likely benign for Cardiovascular phenotype. Last evaluated: 2015-11-16. Review status: criteria provided, single submitter. Criteria: Ambry Variant Classification Scheme 2023. Collection method: clinical testing. Allele origin: germline.

NM_004415.4(DSP):c.7644A>T (p.Arg2548=)

Gene: DSP (desmoplakin; plus strand). Cytogenetic location: 6p24.3.
Variant type: single nucleotide variant.
Coding change: c.7644A>T on transcript NM_004415.4 (MANE Select); coding-DNA position 7644, A replaced by T.
Protein change: p.Arg2548=; no amino-acid change (arginine 2548 retained).
Molecular consequence: synonymous variant.
Genome position (GRCh38, 1-based): chr6:7,584,906, A>T. VCF-style: chr6-7584906-A-T. GRCh37 (hg19) VCF-style: chr6-7585139-A-T.
Other names: c.7644A>T (NM_004415.3, LRG_423t1); c.5847A>T, p.Arg1949= (NM_001008844.3); c.6315A>T, p.Arg2105= (NM_001319034.2).
Identifiers: ClinVar variation 264442 (VCV000264442.16), dbSNP rs886039159, ClinGen allele CA10587636.